The following is an entry in ClinVar:

ClinVar aggregate classification (germline): Pathogenic (1 of 4 stars; one submission).

Conditions:
Alport syndrome. Also called: Hemorrhagic familial nephritis; Hemorrhagic hereditary nephritis; Congenital hereditary hematuria. Identifiers: Orphanet 63, MedGen C1567741, MONDO:0018965.

Submission:

Myriad Genetics, Inc.
Classification: Pathogenic for Alport syndrome. Last evaluated: 2025-02-09. Review status: criteria provided, single submitter. Criteria: Myriad Autosomal Dominant, Autosomal Recessive and X-Linked Classification Criteria (2023). Collection method: clinical testing. Allele origin: unknown.
Comment: NM_000091.4(COL4A3):c.97delT(C33Vfs*60) is expected to be pathogenic in the context of Alport syndrome, COL4A3-related. This variant is predicted to lead to an abnormal or absent protein product due to the creation of a premature termination codon in COL4A3, a gene where loss-of-function variants are known to be pathogenic. Please note: this variant was assessed in the context of healthy population screening.

NM_000091.5(COL4A3):c.97del (p.Cys33fs)

Genes: COL4A3 (collagen type IV alpha 3 chain; plus strand), MFF-DT (MFF divergent transcript; minus strand). Cytogenetic location: 2q36.3.
Variant type: Deletion.
Coding change: c.97del on transcript NM_000091.5 (MANE Select); coding-DNA position 97, one base deleted (T; older notation c.97delT).
Protein change: p.Cys33fs; shifts the reading frame from cysteine 33.
Molecular consequence: frameshift variant.
Genome position (GRCh38, 1-based): chr2:227,237,977, T deleted. VCF-style (leftmost placement, unchanged base first): chr2-227237976-CT-C. GRCh37 (hg19) VCF-style: chr2-228102692-CT-C.
Other names: short protein forms C33fs.
Identifiers: ClinVar variation 5014082 (VCV005014082.1).